The following is an entry in ClinVar:

NM_152296.5(ATP1A3):c.954C>G (p.Ile318Met)

Gene: ATP1A3 (ATPase Na+/K+ transporting subunit alpha 3; minus strand). Cytogenetic location: 19q13.2.
Variant type: single nucleotide variant.
Coding change: c.954C>G on transcript NM_152296.5 (MANE Select); coding-DNA position 954, C replaced by G.
Protein change: p.Ile318Met; replaces isoleucine 318 with methionine.
Molecular consequence: missense variant.
Genome position (GRCh38, 1-based): chr19:41,984,957, G>C on the plus strand (C>G on the coding strand, the complement: ATP1A3 is on the minus strand). VCF-style: chr19-41984957-G-C. GRCh37 (hg19) VCF-style: chr19-42489109-G-C.
Other names: c.987C>G, p.Ile329Met (NM_001256213.2); c.993C>G, p.Ile331Met (NM_001256214.2); c.954C>G (NM_152296.4); short protein forms I318M, I329M, I331M.
Identifiers: ClinVar variation 929469 (VCV000929469.7), dbSNP rs529241207, ClinGen allele CA406052240.

ClinVar aggregate classification (germline): Pathogenic. Review status: criteria provided, multiple submitters, no conflicts (2 of 4 stars). 3 submissions from 3 submitters: Pathogenic (3). Last evaluated 2026-02-19.

Conditions:
Dystonia 12 (DYT12). Also called: DYT-ATP1A3; Rapid-Onset Dystonia-Parkinsonism (RDP). Identifiers: Orphanet 71517, MedGen C1868681, MONDO:0007496, OMIM 128235.
Alternating hemiplegia of childhood 2 (AHC2). Also called: Alternating Hemiplegia of Childhood (AHC). Identifiers: Orphanet 2131, MedGen C3553788, MONDO:0013900, OMIM 614820.

Submissions (3):

GeneDx
Classification: Pathogenic. Last evaluated: 2026-02-19. Review status: criteria provided, single submitter. Criteria: GeneDx Variant Classification Process June 2021. Collection method: clinical testing. Allele origin: germline.
Comment: Not observed at significant frequency in large population cohorts (gnomAD); In silico analysis suggests that this missense variant does not alter protein structure/function; This variant is associated with the following publications: (PMID: 32963807, 33446253)

Labcorp Genetics (formerly Invitae), Labcorp
Classification: Pathogenic for Dystonia 12. Last evaluated: 2024-02-09. Review status: criteria provided, single submitter. Criteria: Invitae Variant Classification Sherloc (09022015). Collection method: clinical testing. Allele origin: germline.
Comment: This sequence change replaces isoleucine, which is neutral and non-polar, with methionine, which is neutral and non-polar, at codon 318 of the ATP1A3 protein (p.Ile318Met). This variant is not present in population databases (gnomAD no frequency). This missense change has been observed in individual(s) with dystonia and alternating hemiplegia of childhood (PMID: 32963807, 33446253). In at least one individual the variant was observed to be de novo. ClinVar contains an entry for this variant (Variation ID: 929469). Advanced modeling of protein sequence and biophysical properties (such as structural, functional, and spatial information, amino acid conservation, physicochemical variation, residue mobility, and thermodynamic stability) performed at Invitae indicates that this missense variant is expected to disrupt ATP1A3 protein function with a positive predictive value of 80%. For these reasons, this variant has been classified as Pathogenic.

Department of Paediatrics and Adolescent Medicine, The University of Hong Kong
Classification: Pathogenic for Dystonia 12; Alternating hemiplegia of childhood 2. Last evaluated: 2020-06-02. Review status: criteria provided, single submitter. Criteria: ACMG Guidelines, 2015. Collection method: research. Allele origin: de novo. Inheritance: Autosomal dominant inheritance. Affected: yes.

Literature cited by the submitters: PubMed 32963807 (cited by Labcorp Genetics (formerly Invitae), Labcorp and Department of Paediatrics and Adolescent Medicine, The University of Hong Kong); PubMed 33446253 (cited by Labcorp Genetics (formerly Invitae), Labcorp).